The following is an entry in ClinVar:

NM_000526.5(KRT14):c.397G>A (p.Val133Met)

Gene: KRT14 (keratin 14; minus strand). Cytogenetic location: 17q21.2.
Variant type: single nucleotide variant.
Coding change: c.397G>A on transcript NM_000526.5 (MANE Select); coding-DNA position 397, G replaced by A.
Protein change: p.Val133Met; replaces valine 133 with methionine.
Molecular consequence: missense variant.
Genome position (GRCh38, 1-based): chr17:41,586,438, C>T on the plus strand (G>A on the coding strand, the complement: KRT14 is on the minus strand). VCF-style: chr17-41586438-C-T. GRCh37 (hg19) VCF-style: chr17-39742690-C-T.
Other names: short protein forms V133M.
Identifiers: ClinVar variation 66356 (VCV000066356.44), dbSNP rs61027685, ClinGen allele CA216937.

ClinVar aggregate classification (germline): Pathogenic/Likely pathogenic. Review status: criteria provided, multiple submitters, no conflicts (2 of 4 stars). 4 submissions from 4 submitters: Pathogenic (2); Likely pathogenic (1). 1 of the submissions does not count toward it. Last evaluated 2021-12-02.

Conditions:
Epidermolysis bullosa simplex 1C, localized. Also called: EBS, ACRAL FORM; EPIDERMOLYSIS BULLOSA OF HANDS AND FEET; Localized epidermolysis bullosa simplex; Weber-Cockayne Syndrome; Epidermolysis Bullosa Simplex, Weber-Cockayne Type. Identifiers: Orphanet 79400, MedGen C0080333, MONDO:0007551, OMIM 131800.

Submissions (4):

Department of Human Genetics, Hannover Medical School
Classification: Likely pathogenic for Epidermolysis bullosa simplex 1C, localized. Last evaluated: 2021-12-02. Review status: criteria provided, single submitter. Criteria: ACMG Guidelines, 2015. Collection method: clinical testing. Allele origin: germline. Inheritance: Autosomal dominant inheritance. Affected: yes.

CeGaT Center for Human Genetics Tuebingen
Classification: Pathogenic. Last evaluated: 2017-05-01. Review status: criteria provided, single submitter. Criteria: CeGaT Center For Human Genetics Tuebingen Variant Classification Criteria Version 2. Collection method: clinical testing. Allele origin: germline. Affected: yes. Observed: 1 variant allele.

GeneDx
Classification: Pathogenic. Last evaluated: 2015-04-04. Review status: criteria provided, single submitter. Criteria: GeneDx Variant Classification (06012015). Collection method: clinical testing. Allele origin: germline. Affected: yes.
Comment: The V133M variant in the KRT14 gene has been reported previously in association with the WeberCockayne form of EBS (Hamada et al. 2005). The V133M variant was not observed in approximately 8600 individuals of European and African American ancestry in the NHLBI Exome Sequencing Project, indicating it is not a common benign variant in these populations. The V133M variant is a non-conservative amino acid substitution, which is likely toimpact secondary protein structure as these residues differ in polarity, charge, size and/or other properties.This substitution occurs at a position that is conserved across species. In silico analysis predicts thissubstitution is probably damaging to the protein structure/function. Missense variants in nearby residues andother amino acid substitutions at the same residue (V133A, V133L) have been reported in the HumanGene Mutation Database in association with EBS (Stenson et al., 2014), supporting the functionalimportance of this region of the protein. We interpret V133M as a pathogenic variant.

Epithelial Biology;  Institute of Medical Biology, Singapore
No classification provided. Review status: no classification provided. Collection method: not provided. Allele origin: not provided. Not counted in ClinVar's aggregate classification.